The following is an entry in ClinVar:

ClinVar aggregate classification (germline): Uncertain significance (1 of 4 stars; one submission).

Submission:

Labcorp Genetics (formerly Invitae), Labcorp
Classification: Uncertain significance. Last evaluated: 2025-05-18. Review status: criteria provided, single submitter. Criteria: Invitae Variant Classification Sherloc (09022015). Collection method: clinical testing. Allele origin: germline.
Comment: This sequence change replaces valine, which is neutral and non-polar, with methionine, which is neutral and non-polar, at codon 435 of the EFTUD2 protein (p.Val435Met). This variant is not present in population databases (gnomAD no frequency). This variant has not been reported in the literature in individuals affected with EFTUD2-related conditions. Invitae Evidence Modeling of protein sequence and biophysical properties (such as structural, functional, and spatial information, amino acid conservation, physicochemical variation, residue mobility, and thermodynamic stability) has been performed for this missense variant. However, the output from this modeling did not meet the statistical confidence thresholds required to predict the impact of this variant on EFTUD2 protein function. In summary, the available evidence is currently insufficient to determine the role of this variant in disease. Therefore, it has been classified as a Variant of Uncertain Significance.

NM_004247.4(EFTUD2):c.1303G>A (p.Val435Met)

Gene: EFTUD2 (elongation factor Tu GTP binding domain containing 2; minus strand). Cytogenetic location: 17q21.31.
Variant type: single nucleotide variant.
Coding change: c.1303G>A on transcript NM_004247.4 (MANE Select); coding-DNA position 1303, G replaced by A.
Protein change: p.Val435Met; replaces valine 435 with methionine.
Molecular consequence: missense variant.
Genome position (GRCh38, 1-based): chr17:44,863,765, C>T on the plus strand (G>A on the coding strand, the complement: EFTUD2 is on the minus strand). VCF-style: chr17-44863765-C-T. GRCh37 (hg19) VCF-style: chr17-42941133-C-T.
Other names: c.1198G>A, p.Val400Met (NM_001142605.2); c.1303G>A, p.Val435Met (NM_001258353.2); c.1273G>A, p.Val425Met (NM_001258354.2); short protein forms V400M, V435M, V425M.
Identifiers: ClinVar variation 4742408 (VCV004742408.1).